The following is an entry in ClinVar:

ClinVar aggregate classification (germline): Uncertain significance. Review status: criteria provided, multiple submitters, no conflicts (2 of 4 stars). 2 submissions from 2 submitters: Uncertain significance (2). Last evaluated 2026-01-13.

Conditions:
Inborn genetic diseases. Identifiers: MedGen C0950123, MeSH D030342.

Allele frequency attached by ClinVar (database versions not stated): ExAC 0.00002; gnomAD exomes 0.00002 and 0.00009; TOPMed 0.00004; gnomAD 0.00005 and 0.00006.
gnomAD v4.1: 135 of 1,609,762 alleles (0.0084%); highest among the groups gnomAD compares: East Asian, 0.011%; no homozygotes.

Submissions (2):

Labcorp Genetics (formerly Invitae), Labcorp
Classification: Uncertain significance. Last evaluated: 2026-01-13. Review status: criteria provided, single submitter. Criteria: Invitae Variant Classification Sherloc (09022015). Collection method: clinical testing. Allele origin: germline.
Comment: This sequence change replaces isoleucine, which is neutral and non-polar, with valine, which is neutral and non-polar, at codon 163 of the FUT8 protein (p.Ile163Val). This variant is present in population databases (rs763687153, gnomAD 0.01%). This variant has not been reported in the literature in individuals affected with FUT8-related conditions. ClinVar contains an entry for this variant (Variation ID: 1416575). Invitae Evidence Modeling of protein sequence and biophysical properties (such as structural, functional, and spatial information, amino acid conservation, physicochemical variation, residue mobility, and thermodynamic stability) indicates that this missense variant is not expected to disrupt FUT8 protein function with a negative predictive value of 80%. In summary, the available evidence is currently insufficient to determine the role of this variant in disease. Therefore, it has been classified as a Variant of Uncertain Significance.

Ambry Genetics
Classification: Uncertain significance for Inborn genetic diseases. Last evaluated: 2023-10-17. Review status: criteria provided, single submitter. Criteria: Ambry Variant Classification Scheme 2023. Collection method: clinical testing. Allele origin: germline.

NM_001371533.1(FUT8):c.487A>G (p.Ile163Val)

Gene: FUT8 (fucosyltransferase 8; plus strand). Cytogenetic location: 14q23.3.
Variant type: single nucleotide variant.
Coding change: c.487A>G on transcript NM_001371533.1 (MANE Select); coding-DNA position 487, A replaced by G.
Protein change: p.Ile163Val; replaces isoleucine 163 with valine.
Molecular consequence: missense variant. On other transcripts: 5 prime UTR variant (1), non-coding transcript variant (1).
Genome position (GRCh38, 1-based): chr14:65,629,496, A>G. VCF-style: chr14-65629496-A-G. GRCh37 (hg19) VCF-style: chr14-66096214-A-G.
Other names: c.487A>G, p.Ile163Val (NM_001371534.1, NM_178155.3, NM_178156.2); c.589A>G, p.Ile197Val (NM_001371536.1); c.-3A>G (NM_004480.4); c.487A>G (NM_178155.2); short protein forms I197V, I163V.
Identifiers: ClinVar variation 1416575 (VCV001416575.7), dbSNP rs763687153, ClinGen allele CA7233258.